The following is an entry in ClinVar:

NM_025179.4(PLXNA2):c.2601T>C (p.Ser867=)

Gene: PLXNA2 (plexin A2; minus strand). Cytogenetic location: 1q32.2.
Variant type: single nucleotide variant.
Coding change: c.2601T>C on transcript NM_025179.4 (MANE Select); coding-DNA position 2601, T replaced by C.
Protein change: p.Ser867=; no amino-acid change (serine 867 retained).
Molecular consequence: synonymous variant.
Genome position (GRCh38, 1-based): chr1:208,060,823, A>G on the plus strand (T>C on the coding strand, the complement: PLXNA2 is on the minus strand). VCF-style: chr1-208060823-A-G. GRCh37 (hg19) VCF-style: chr1-208234168-A-G.
Identifiers: ClinVar variation 5001773 (VCV005001773.1).

ClinVar aggregate classification (germline): Likely benign (1 of 4 stars; one submission).

Conditions:
PLXNA2-related disorder. Also called: PLXNA2-related condition.

gnomAD v4.1: 3 of 1,613,902 alleles (0.00019%); highest among the groups gnomAD compares: African/African-American, 0.0013%; no homozygotes.

Submission:

PreventionGenetics, part of Exact Sciences
Classification: Likely benign for PLXNA2-related condition. Last evaluated: 2025-03-03. Review status: criteria provided, single submitter. Criteria: ACMG Guidelines, 2015. Collection method: clinical testing. Allele origin: germline.
Comment: This variant is classified as likely benign based on ACMG/AMP sequence variant interpretation guidelines (Richards et al. 2015 PMID: 25741868, with internal and published modifications).